The following is an entry in ClinVar:

ClinVar aggregate classification (germline): Uncertain significance (1 of 4 stars; one submission).

gnomAD v4.1: 9 of 1,354,434 alleles (0.00066%); highest among the groups gnomAD compares: Non-Finnish European, 0.00086%; no homozygotes.

Submission:

Labcorp Genetics (formerly Invitae), Labcorp
Classification: Uncertain significance. Last evaluated: 2025-06-25. Review status: criteria provided, single submitter. Criteria: Invitae Variant Classification Sherloc (09022015). Collection method: clinical testing. Allele origin: germline.
Comment: This sequence change replaces alanine, which is neutral and non-polar, with valine, which is neutral and non-polar, at codon 16 of the DHX37 protein (p.Ala16Val). The frequency data for this variant in the population databases is considered unreliable, as metrics indicate poor data quality at this position in the gnomAD database. This variant has not been reported in the literature in individuals affected with DHX37-related conditions. An algorithm developed to predict the effect of missense changes on protein structure and function outputs the following: PolyPhen-2: "Benign". The valine amino acid residue is found in multiple mammalian species, which suggests that this missense change does not adversely affect protein function. Algorithms developed to predict the effect of sequence changes on RNA splicing suggest that this variant may create or strengthen a splice site. In summary, the available evidence is currently insufficient to determine the role of this variant in disease. Therefore, it has been classified as a Variant of Uncertain Significance.

NM_032656.4(DHX37):c.47C>T (p.Ala16Val)

Genes: DHX37 (DEAH-box helicase 37; minus strand), LOC130009166 (ATAC-STARR-seq lymphoblastoid silent region 5073; plus strand). Cytogenetic location: 12q24.31.
Variant type: single nucleotide variant.
Coding change: c.47C>T on transcript NM_032656.4 (MANE Select); coding-DNA position 47, C replaced by T.
Protein change: p.Ala16Val; replaces alanine 16 with valine.
Molecular consequence: missense variant.
Genome position (GRCh38, 1-based): chr12:124,988,976, G>A on the plus strand (C>T on the coding strand, the complement: DHX37 is on the minus strand). VCF-style: chr12-124988976-G-A. GRCh37 (hg19) VCF-style: chr12-125473522-G-A.
Other names: short protein forms A16V.
Identifiers: ClinVar variation 4770008 (VCV004770008.1).
Genomic context (GRCh38, chr12:124,988,976, plus strand): 5'-CCCTCCAGTTCCAGCTGCACGGGGGGCGGCTCGGGGGGGCCCTTCGAGGGTCCGGGGCCC[G>A]CCTGCTGGCGCCCCTTGATGTTGTAGCGCCGGCGCAGCTTCCCCATGGCGACTAGGCCAG-3'
Protein context (NP_116045.2, residues 6-26): RRYNIKGRQQ[Ala16Val]GPGPSKGPPE